The following is an entry in ClinVar:

NM_020921.4(NIN):c.2581del (p.Glu861fs)

Gene: NIN (ninein; minus strand). Cytogenetic location: 14q22.1.
Variant type: Deletion.
Coding change: c.2581del on transcript NM_020921.4 (MANE Select); coding-DNA position 2581, one base deleted (G; older notation c.2581delG).
Protein change: p.Glu861fs; shifts the reading frame from glutamic acid 861.
Molecular consequence: frameshift variant. On other transcripts: intron variant (1).
Genome position (GRCh38, 1-based): chr14:50,758,449, C deleted on the plus strand (G on the coding strand, the reverse complement: NIN is on the minus strand). VCF-style (leftmost placement, unchanged base first): chr14-50758448-TC-T. GRCh37 (hg19) VCF-style: chr14-51225166-TC-T.
Other names: c.2581del, p.Glu861fs (NM_182944.3, NM_182946.2); c.2399+1408del (NM_016350.5); short protein forms E861fs.
Identifiers: ClinVar variation 4714305 (VCV004714305.1).

ClinVar aggregate classification (germline): Uncertain significance (1 of 4 stars; one submission).

Submission:

Labcorp Genetics (formerly Invitae), Labcorp
Classification: Uncertain significance. Last evaluated: 2025-03-04. Review status: criteria provided, single submitter. Criteria: Invitae Variant Classification Sherloc (09022015). Collection method: clinical testing. Allele origin: germline.
Comment: This sequence change creates a premature translational stop signal (p.Glu861Argfs*16) in the NIN gene. It is expected to result in an absent or disrupted protein product. However, the current clinical and genetic evidence is not sufficient to establish whether loss-of-function variants in NIN cause disease. This variant is not present in population databases (gnomAD no frequency). This variant has not been reported in the literature in individuals affected with NIN-related conditions. In summary, the available evidence is currently insufficient to determine the role of this variant in disease. Therefore, it has been classified as a Variant of Uncertain Significance.